The following is an entry in ClinVar:

NM_020949.3(SLC7A14):c.1129G>T (p.Val377Phe)

Genes: SLC7A14 (solute carrier family 7 member 14; minus strand), SLC7A14-AS1 (SLC7A14 antisense RNA 1; plus strand). Cytogenetic location: 3q26.2.
Variant type: single nucleotide variant.
Coding change: c.1129G>T on transcript NM_020949.3 (MANE Select); coding-DNA position 1129, G replaced by T.
Protein change: p.Val377Phe; replaces valine 377 with phenylalanine.
Molecular consequence: missense variant.
Genome position (GRCh38, 1-based): chr3:170,481,153, C>A on the plus strand (G>T on the coding strand, the complement: SLC7A14 is on the minus strand). VCF-style: chr3-170481153-C-A. GRCh37 (hg19) VCF-style: chr3-170198942-C-A.
Other names: short protein forms V377F.
Identifiers: ClinVar variation 1391498 (VCV001391498.8), dbSNP rs114883808, ClinGen allele CA355491442.

ClinVar aggregate classification (germline): Uncertain significance (1 of 4 stars; one submission).

gnomAD v4.1: 4 of 1,612,966 alleles (0.00025%); highest among the groups gnomAD compares: Admixed American, 0.0067%; no homozygotes.

Submission:

Labcorp Genetics (formerly Invitae), Labcorp
Classification: Uncertain significance. Last evaluated: 2022-06-07. Review status: criteria provided, single submitter. Criteria: Invitae Variant Classification Sherloc (09022015). Collection method: clinical testing. Allele origin: germline.
Comment: ClinVar contains an entry for this variant (Variation ID: 1391498). This sequence change replaces valine, which is neutral and non-polar, with phenylalanine, which is neutral and non-polar, at codon 377 of the SLC7A14 protein (p.Val377Phe). This variant is present in population databases (no rsID available, gnomAD 0.003%). This variant has not been reported in the literature in individuals affected with SLC7A14-related conditions. Algorithms developed to predict the effect of missense changes on protein structure and function are either unavailable or do not agree on the potential impact of this missense change (SIFT: "Tolerated"; PolyPhen-2: "Probably Damaging"; Align-GVGD: "Class C0"). In summary, the available evidence is currently insufficient to determine the role of this variant in disease. Therefore, it has been classified as a Variant of Uncertain Significance.